The following is an entry in ClinVar:

NM_002299.4(LCT):c.425G>A (p.Arg142Gln)

Gene: LCT (lactase; minus strand). Cytogenetic location: 2q21.3.
Variant type: single nucleotide variant.
Coding change: c.425G>A on transcript NM_002299.4 (MANE Select); coding-DNA position 425, G replaced by A.
Protein change: p.Arg142Gln; replaces arginine 142 with glutamine.
Molecular consequence: missense variant.
Genome position (GRCh38, 1-based): chr2:135,836,745, C>T on the plus strand (G>A on the coding strand, the complement: LCT is on the minus strand). VCF-style: chr2-135836745-C-T. GRCh37 (hg19) VCF-style: chr2-136594315-C-T.
Other names: short protein forms R142Q.
Identifiers: ClinVar variation 1381526 (VCV001381526.7), dbSNP rs143420596, ClinGen allele CA1888639.
Genomic context (GRCh38, chr2:135,836,745, plus strand): 5'-AAGGAGTGGAAGGCGAATGTGGCATAGTCGGCGAAGAGGTCAGCAAAGGCTTCGGTTCTC[C>T]GGAGGGTGCTGGCAGGGAGGGTCTGGTGGTGCAGGATGACCATGGGCTGAAGCCGTGCAG-3'
Protein context (NP_002290.2, residues 132-152): HHQTLPASTL[Arg142Gln]RTEAFADLFA

ClinVar aggregate classification (germline): Uncertain significance. Review status: criteria provided, multiple submitters, no conflicts (2 of 4 stars). 2 submissions from 2 submitters: Uncertain significance (2). Last evaluated 2022-02-24.

Allele frequency attached by ClinVar (database versions not stated): gnomAD exomes 0.00003 and 0.00006; ExAC 0.00005; ESP Exome Variant Server 0.00008; gnomAD 0.00008 and 0.00009; TOPMed 0.00010.
gnomAD v4.1: 56 of 1,613,988 alleles (0.0035%); highest among the groups gnomAD compares: East Asian, 0.027%; no homozygotes.

Submissions (2):

Labcorp Genetics (formerly Invitae), Labcorp
Classification: Uncertain significance. Last evaluated: 2022-02-24. Review status: criteria provided, single submitter. Criteria: Invitae Variant Classification Sherloc (09022015). Collection method: clinical testing. Allele origin: germline.
Comment: In summary, the available evidence is currently insufficient to determine the role of this variant in disease. Therefore, it has been classified as a Variant of Uncertain Significance. Algorithms developed to predict the effect of missense changes on protein structure and function output the following: SIFT: "Not Available"; PolyPhen-2: "Benign"; Align-GVGD: "Not Available". The glutamine amino acid residue is found in multiple mammalian species, which suggests that this missense change does not adversely affect protein function. This variant has not been reported in the literature in individuals affected with LCT-related conditions. This variant is present in population databases (rs143420596, gnomAD 0.05%). This sequence change replaces arginine with glutamine at codon 142 of the LCT protein (p.Arg142Gln). The arginine residue is weakly conserved and there is a small physicochemical difference between arginine and glutamine.

Breakthrough Genomics
Classification: Uncertain significance. Review status: criteria provided, single submitter. Criteria: ACMG Guidelines, 2015. Collection method: not provided. Allele origin: germline. Inheritance: Autosomal recessive inheritance. Affected: yes.